The following is an entry in ClinVar:

ClinVar aggregate classification (germline): Likely benign. Review status: criteria provided, multiple submitters, no conflicts (2 of 4 stars). 4 submissions from 4 submitters: Likely benign (4). Last evaluated 2026-01-25.

Conditions:
Cardiovascular phenotype. Identifiers: MedGen CN230736.

Allele frequency attached by ClinVar (database versions not stated): ExAC 0.00004; TOPMed 0.00011; ESP Exome Variant Server 0.00016; gnomAD 0.00016.
gnomAD v4.1: 296 of 1,613,826 alleles (0.018%); highest among the groups gnomAD compares: Non-Finnish European, 0.023%; no homozygotes.

Submissions (4):

Labcorp Genetics (formerly Invitae), Labcorp
Classification: Likely benign. Last evaluated: 2026-01-25. Review status: criteria provided, single submitter. Criteria: Invitae Variant Classification Sherloc (09022015). Collection method: clinical testing. Allele origin: germline.

Women's Health and Genetics/Laboratory Corporation of America, LabCorp
Classification: Likely benign. Last evaluated: 2025-10-22. Review status: criteria provided, single submitter. Criteria: LabCorp Variant Classification Summary - May 2015. Collection method: clinical testing. Allele origin: germline.

Ambry Genetics
Classification: Likely benign for Cardiovascular phenotype. Last evaluated: 2023-04-01. Review status: criteria provided, single submitter. Criteria: Ambry Variant Classification Scheme 2023. Collection method: clinical testing. Allele origin: germline.

CeGaT Center for Human Genetics Tuebingen
Classification: Likely benign. Last evaluated: 2022-09-01. Review status: criteria provided, single submitter. Criteria: CeGaT Center For Human Genetics Tuebingen Variant Classification Criteria Version 2. Collection method: clinical testing. Allele origin: germline. Affected: yes. Observed: 1 variant allele.
Comment: TNXB: BP4, BP7

NM_001365276.2(TNXB):c.6072A>G (p.Gly2024=)

Gene: TNXB (tenascin XB; minus strand). Cytogenetic location: 6p21.33.
Variant type: single nucleotide variant.
Coding change: c.6072A>G on transcript NM_001365276.2 (MANE Select); coding-DNA position 6072, A replaced by G.
Protein change: p.Gly2024=; no amino-acid change (glycine 2024 retained).
Molecular consequence: synonymous variant.
Genome position (GRCh38, 1-based): chr6:32,068,538, T>C on the plus strand (A>G on the coding strand, the complement: TNXB is on the minus strand). VCF-style: chr6-32068538-T-C. GRCh37 (hg19) VCF-style: chr6-32036315-T-C.
Other names: c.6072A>G (NM_019105.6); c.6072A>G, p.Gly2024= (NM_019105.8).
Identifiers: ClinVar variation 1711623 (VCV001711623.34), dbSNP rs368442910, ClinGen allele CA3734537.